The following is an entry in ClinVar:

NC_000007.13:g.(?_104456677)_(108155935_?)del

Genes: ATXN7L1 (ataxin 7 like 1; minus strand), BCAP29 (B cell receptor associated protein 29; plus strand), CBLL1 (Cbl proto-oncogene like 1; plus strand), CCDC71L (coiled-coil domain containing 71 like; minus strand), CDHR3 (cadherin related family member 3; plus strand) and 20 more. Cytogenetic location: 7q22.2-31.1.
Variant type: Deletion.
Identifiers: ClinVar variation 2424385 (VCV002424385.3).

ClinVar aggregate classification (germline): Pathogenic (1 of 4 stars; one submission).

Submission:

Labcorp Genetics (formerly Invitae), Labcorp
Classification: Pathogenic. Last evaluated: 2022-04-11. Review status: criteria provided, single submitter. Criteria: Invitae Variant Classification Sherloc (09022015). Collection method: clinical testing. Allele origin: germline.
Comment: A gross deletion of the genomic region encompassing the full coding sequence of the LAMB1 gene has been identified. Loss-of-function variants in LAMB1 are known to be pathogenic (PMID: 23472759, 25925986). The boundaries of this event are unknown as they extend beyond the assayed region for this gene and therefore may encompass additional genes. This variant has not been reported in the literature in individuals affected with LAMB1-related conditions. For these reasons, this variant has been classified as Pathogenic.

Literature cited by the submitters: PubMed 23472759; PubMed 25925986.